The following is an entry in ClinVar:

ClinVar aggregate classification (germline): Likely benign (0 of 4 stars; one submission).

Conditions:
LRRK2-related disorder. Also called: LRRK2-related condition.

Allele frequency attached by ClinVar (database versions not stated): gnomAD exomes below 0.00001.
gnomAD v4.1: 3 of 1,613,744 alleles (0.00019%); highest among the groups gnomAD compares: Non-Finnish European, 0.00025%; no homozygotes.

Submission:

PreventionGenetics, part of Exact Sciences
Classification: Likely benign for LRRK2-related condition. Last evaluated: 2021-09-30. Review status: no assertion criteria provided. Collection method: clinical testing. Allele origin: germline.
Comment: This variant is classified as likely benign based on ACMG/AMP sequence variant interpretation guidelines (Richards et al. 2015 PMID: 25741868, with internal and published modifications).

NM_198578.4(LRRK2):c.852T>C (p.Asn284=)

Gene: LRRK2 (leucine rich repeat kinase 2; plus strand). Cytogenetic location: 12q12.
Variant type: single nucleotide variant.
Coding change: c.852T>C on transcript NM_198578.4 (MANE Select); coding-DNA position 852, T replaced by C.
Protein change: p.Asn284=; no amino-acid change (asparagine 284 retained).
Molecular consequence: synonymous variant.
Genome position (GRCh38, 1-based): chr12:40,249,839, T>C. VCF-style: chr12-40249839-T-C. GRCh37 (hg19) VCF-style: chr12-40643641-T-C.
Identifiers: ClinVar variation 3061375 (VCV003061375.2), dbSNP rs2499492209, ClinGen allele CA479236446.